The following is an entry in ClinVar:

ClinVar aggregate classification (germline): Likely benign. Review status: criteria provided, multiple submitters, no conflicts (2 of 4 stars). 6 submissions from 6 submitters: Likely benign (6). Last evaluated 2026-09-01.

Conditions:
COL12A1-related disorder. Also called: COL12A1-related condition.
Ullrich congenital muscular dystrophy 2 (UCMD2). Identifiers: Orphanet 75840, MedGen C4225314, MONDO:0014654, OMIM 616470.
Bethlem myopathy 2 (BTHLM2). Identifiers: Orphanet 536516, Orphanet 610, MedGen C4225313, MONDO:0034022, OMIM 616471.

Allele frequency attached by ClinVar (database versions not stated): 1000 Genomes Project 30x 0.00016; 1000 Genomes Project 0.00020; gnomAD 0.00040 and 0.00046; gnomAD exomes 0.00047 and 0.00084; TOPMed 0.00051; ESP Exome Variant Server 0.00066; ExAC 0.00081.
gnomAD v4.1: 774 of 1,613,348 alleles (0.048%); highest among the groups gnomAD compares: Middle Eastern, 0.2%; 2 homozygotes.

Submissions (6):

CeGaT Center for Human Genetics Tuebingen
Classification: Likely benign. Last evaluated: 2026-09-01. Review status: criteria provided, single submitter. Criteria: CeGaT Center For Human Genetics Tuebingen Variant Classification Criteria Version 2. Collection method: clinical testing. Allele origin: germline. Affected: yes. Observed: 5 variant alleles.
Comment: COL12A1: PP3, BS2

Women's Health and Genetics/Laboratory Corporation of America, LabCorp
Classification: Likely benign. Last evaluated: 2026-04-13. Review status: criteria provided, single submitter. Criteria: LabCorp Variant Classification Summary - May 2015. Collection method: clinical testing. Allele origin: germline.
Comment: Variant summary: COL12A1 c.5221G>A (p.Glu1741Lys) results in a conservative amino acid change located in the Fibronectin type III domain (IPR003961) of the encoded protein sequence. Algorithms developed to predict the effect of missense changes on protein structure and function are either unavailable or do not agree on the potential impact of this missense change. The variant allele was found at a frequency of 0.00084 in 248142 control chromosomes, predominantly at a frequency of 0.0063 within the Ashkenazi Jewish subpopulation in the gnomAD database. The observed variant frequency within Ashkenazi Jewish control individuals in the gnomAD database exceeds the estimated maximal expected allele frequency for disease-causing variants in COL12A1. To our knowledge, no occurrence of c.5221G>A in individuals affected with COL12A1-related conditions and no experimental evidence demonstrating its impact on protein function have been reported. ClinVar contains an entry for this variant (Variation ID: 475873). Based on the evidence outlined above, the variant was classified as likely benign.

Labcorp Genetics (formerly Invitae), Labcorp
Classification: Likely benign for Bethlem myopathy 2; Ullrich congenital muscular dystrophy 2. Last evaluated: 2026-02-01. Review status: criteria provided, single submitter. Criteria: Invitae Variant Classification Sherloc (09022015). Collection method: clinical testing. Allele origin: germline.

Mayo Clinic Laboratories, Mayo Clinic
Classification: Likely benign. Last evaluated: 2025-09-17. Review status: criteria provided, single submitter. Criteria: ACMG Guidelines, 2015. Collection method: clinical testing. Allele origin: germline. Observed: 5 variant alleles.
Comment: BS1

PreventionGenetics, part of Exact Sciences
Classification: Likely benign for COL12A1-related condition. Last evaluated: 2025-07-08. Review status: criteria provided, single submitter. Criteria: ACMG Guidelines, 2015. Collection method: clinical testing. Allele origin: germline.
Comment: This variant is classified as likely benign based on ACMG/AMP sequence variant interpretation guidelines (Richards et al. 2015 PMID: 25741868, with internal and published modifications).

GeneDx
Classification: Likely benign. Last evaluated: 2021-03-09. Review status: criteria provided, single submitter. Criteria: GeneDx Variant Classification Process June 2021. Collection method: clinical testing. Allele origin: germline. Affected: yes.

NM_004370.6(COL12A1):c.5221G>A (p.Glu1741Lys)

Gene: COL12A1 (collagen type XII alpha 1 chain; minus strand). Cytogenetic location: 6q13.
Variant type: single nucleotide variant.
Coding change: c.5221G>A on transcript NM_004370.6 (MANE Select); coding-DNA position 5221, G replaced by A.
Protein change: p.Glu1741Lys; replaces glutamic acid 1741 with lysine.
Molecular consequence: missense variant.
Genome position (GRCh38, 1-based): chr6:75,138,457, C>T on the plus strand (G>A on the coding strand, the complement: COL12A1 is on the minus strand). VCF-style: chr6-75138457-C-T. GRCh37 (hg19) VCF-style: chr6-75848173-C-T.
Other names: p.Glu1741Lys; c.1729G>A, p.Glu577Lys (NM_080645.3); short protein forms E1741K, E577K.
Identifiers: ClinVar variation 475873 (VCV000475873.60), dbSNP rs200201449, ClinGen allele CA3893227.